The following is an entry in ClinVar:

NM_001127453.2(GSDME):c.965A>T (p.Glu322Val)

Gene: GSDME (gasdermin E; minus strand). Cytogenetic location: 7p15.3.
Variant type: single nucleotide variant.
Coding change: c.965A>T on transcript NM_001127453.2 (MANE Select); coding-DNA position 965, A replaced by T.
Protein change: p.Glu322Val; replaces glutamic acid 322 with valine.
Molecular consequence: missense variant.
Genome position (GRCh38, 1-based): chr7:24,708,152, T>A on the plus strand (A>T on the coding strand, the complement: GSDME is on the minus strand). VCF-style: chr7-24708152-T-A. GRCh37 (hg19) VCF-style: chr7-24747771-T-A.
Other names: c.473A>T, p.Glu158Val (NM_001127454.2); c.965A>T, p.Glu322Val (NM_004403.3); short protein forms E158V, E322V.
Identifiers: ClinVar variation 3391543 (VCV003391543.1).

ClinVar aggregate classification (germline): Uncertain significance (1 of 4 stars; one submission).

Submission:

GeneDx
Classification: Uncertain significance. Last evaluated: 2024-05-29. Review status: criteria provided, single submitter. Criteria: GeneDx Variant Classification Process June 2021. Collection method: clinical testing. Allele origin: germline. Affected: yes.
Comment: Not observed at significant frequency in large population cohorts (gnomAD); In silico analysis supports that this missense variant has a deleterious effect on protein structure/function; Has not been previously published as pathogenic or benign to our knowledge